The following is an entry in ClinVar:

ClinVar aggregate classification (germline): Uncertain significance (1 of 4 stars; one submission).

Conditions:
Hereditary cancer-predisposing syndrome. Also called: Neoplastic Syndromes, Hereditary; Tumor predisposition; Hereditary Cancer Syndrome; Hereditary neoplastic syndrome. Identifiers: Orphanet 140162, MedGen C0027672, MeSH D009386, MONDO:0015356.

Submission:

Color Diagnostics, LLC DBA Color Health
Classification: Uncertain significance for Hereditary cancer-predisposing syndrome. Last evaluated: 2024-03-06. Review status: criteria provided, single submitter. Criteria: ACMG Guidelines, 2015. Collection method: clinical testing. Allele origin: germline.
Comment: This missense variant replaces serine with glycine at codon 196 of the BRCA2 protein. Computational prediction tool suggests that this variant may not impact protein structure and function (internally defined REVEL score threshold <=0.5, PMID: 27666373). Splice site prediction tools suggest that this variant may not impact RNA splicing. To our knowledge, functional studies have not been performed for this variant. This variant has not been reported in individuals affected with hereditary cancer in the literature. This variant has not been identified in the general population by the Genome Aggregation Database (gnomAD). The available evidence is insufficient to determine the role of this variant in disease conclusively. Therefore, this variant is classified as a Variant of Uncertain Significance.

NM_000059.4(BRCA2):c.586A>G (p.Ser196Gly)

Gene: BRCA2 (BRCA2 DNA repair associated; plus strand). Cytogenetic location: 13q13.1.
Variant type: single nucleotide variant.
Coding change: c.586A>G on transcript NM_000059.4 (MANE Select); coding-DNA position 586, A replaced by G.
Protein change: p.Ser196Gly; replaces serine 196 with glycine.
Molecular consequence: missense variant.
Genome position (GRCh38, 1-based): chr13:32,326,568, A>G. VCF-style: chr13-32326568-A-G. GRCh37 (hg19) VCF-style: chr13-32900705-A-G.
Other names: short protein forms S196G.
Identifiers: ClinVar variation 921829 (VCV000921829.4), dbSNP rs2072350425, ClinGen allele CA387758091.